The following is an entry in ClinVar:

NM_000256.3(MYBPC3):c.748T>C (p.Ser250Pro)

Gene: MYBPC3 (myosin binding protein C3; minus strand). Cytogenetic location: 11p11.2.
Variant type: single nucleotide variant.
Coding change: c.748T>C on transcript NM_000256.3 (MANE Select); coding-DNA position 748, T replaced by C.
Protein change: p.Ser250Pro; replaces serine 250 with proline.
Molecular consequence: missense variant.
Genome position (GRCh38, 1-based): chr11:47,348,448, A>G on the plus strand (T>C on the coding strand, the complement: MYBPC3 is on the minus strand). VCF-style: chr11-47348448-A-G. GRCh37 (hg19) VCF-style: chr11-47369999-A-G.
Other names: short protein forms S250P.
Identifiers: ClinVar variation 843103 (VCV000843103.11), dbSNP rs2095896741, ClinGen allele CA380334348.
Genomic context (GRCh38, chr11:47,348,448, plus strand): 5'-AGCCCGAGCCCAGGACAGACACCAGGGCCCCCTCACCGTGGACAGTGAGATTGAAGTTGG[A>G]GCAGTCAAATTTGTCCTTGGTGGACACCTCACAGCGGTAGCTGCCAGTGAAGGCAGGCTG-3'
Protein context (NP_000247.2, residues 240-260): EVSTKDKFDC[Ser250Pro]NFNLTVHEAM

ClinVar aggregate classification (germline): Uncertain significance. Review status: criteria provided, multiple submitters, no conflicts (2 of 4 stars). 3 submissions from 3 submitters: Uncertain significance (3). Last evaluated 2025-07-24.

Conditions:
Cardiovascular phenotype. Identifiers: MedGen CN230736.
Hypertrophic cardiomyopathy. Also called: HYPERTROPHIC MYOCARDIOPATHY. Identifiers: Orphanet 217569, MedGen C0007194, MeSH D002312, MONDO:0005045, HP:0001639.

Allele frequency attached by ClinVar (database versions not stated): gnomAD exomes below 0.00001.
gnomAD v4.1: 1 of 1,612,876 alleles (0.000062%); no homozygotes.

Submissions (3):

Molecular Diagnostic Laboratory for Inherited Cardiovascular Disease, Montreal Heart Institute
Classification: Uncertain significance for Cardiovascular phenotype. Last evaluated: 2025-07-24. Review status: criteria provided, single submitter. Criteria: ACMG Guidelines, 2015. Collection method: clinical testing. Allele origin: germline. Affected: yes.
Comment: PM2

Labcorp Genetics (formerly Invitae), Labcorp
Classification: Uncertain significance for Hypertrophic cardiomyopathy. Last evaluated: 2024-12-11. Review status: criteria provided, single submitter. Criteria: Invitae Variant Classification Sherloc (09022015). Collection method: clinical testing. Allele origin: germline.
Comment: This sequence change replaces serine, which is neutral and polar, with proline, which is neutral and non-polar, at codon 250 of the MYBPC3 protein (p.Ser250Pro). This variant is not present in population databases (gnomAD no frequency). This missense change has been observed in individual(s) with clinical features of dilated cardiomyopathy and/or hypertrophic cardiomyopathy (PMID: 31317183; internal data). ClinVar contains an entry for this variant (Variation ID: 843103). An algorithm developed to predict the effect of missense changes on protein structure and function (PolyPhen-2) suggests that this variant is likely to be disruptive. In summary, the available evidence is currently insufficient to determine the role of this variant in disease. Therefore, it has been classified as a Variant of Uncertain Significance.

Ambry Genetics
Classification: Uncertain significance for Cardiovascular phenotype. Last evaluated: 2024-10-13. Review status: criteria provided, single submitter. Criteria: Ambry Variant Classification Scheme 2023. Collection method: clinical testing. Allele origin: germline.
Comment: The p.S250P variant (also known as c.748T>C), located in coding exon 6 of the MYBPC3 gene, results from a T to C substitution at nucleotide position 748. The serine at codon 250 is replaced by proline, an amino acid with similar properties. This amino acid position is poorly conserved in available vertebrate species. In addition, this alteration is predicted to be tolerated by in silico analysis. Based on the available evidence, the clinical significance of this alteration remains unclear.

Literature cited by the submitters: PubMed 31317183 (cited by Labcorp Genetics (formerly Invitae), Labcorp).